The following is an entry in ClinVar:

ClinVar aggregate classification (germline): Benign/Likely benign. Review status: criteria provided, multiple submitters, no conflicts (2 of 4 stars). 20 submissions from 13 submitters: Benign (16); Likely benign (1). 3 of the submissions do not count toward it. Last evaluated 2026-02-04.

Conditions:
Dilated cardiomyopathy 1G (CMD1G). Identifiers: Orphanet 154, MedGen C1858763, MONDO:0011400, OMIM 604145.
Autosomal recessive limb-girdle muscular dystrophy type 2J (LGMDR10). Also called: MUSCULAR DYSTROPHY, LIMB-GIRDLE, AUTOSOMAL RECESSIVE 10; Limb-girdle muscular dystrophy, type 2J. Identifiers: Orphanet 140922, MedGen C1837342, MONDO:0012127, OMIM 608807.
Cardiomyopathy (CMYO). Also called: Cardiomyopathies. Identifiers: Orphanet 167848, MedGen C0878544, MONDO:0004994, HP:0001638. Inheritance: Various modes of inheritance.
Early-onset myopathy with fatal cardiomyopathy (CMYO5). Also called: CONGENITAL MYOPATHY 5 WITH CARDIOMYOPATHY; Salih Myopathy. Identifiers: Orphanet 289377, MedGen C2673677, MONDO:0012714, OMIM 611705. Disease mechanism: loss of function.
Myopathy, myofibrillar, 9, with early respiratory failure (MFM9). Also called: Myopathy, distal, with early respiratory failure, autosomal dominant; Hereditary myopathy with early respiratory failure; MYOPATHY, PROXIMAL, WITH EARLY RESPIRATORY MUSCLE INVOLVEMENT; EDSTROM MYOPATHY. Identifiers: Orphanet 178464, Orphanet 34521, MedGen C1863599, MONDO:0011362, OMIM 603689.
Tibial muscular dystrophy (TMD). Also called: Udd Distal Myopathy – Tibial Muscular Dystrophy; Tibial muscular dystrophy, tardive; UDD MYOPATHY. Identifiers: Orphanet 609, MedGen C1838244, MONDO:0010870, OMIM 600334.

Allele frequency attached by ClinVar (database versions not stated): ExAC 0.00479; 1000 Genomes Project 30x 0.01280; TOPMed 0.00289; gnomAD exomes 0.00184 and 0.00465; gnomAD 0.00218 and 0.00137; 1000 Genomes Project 0.01398.
gnomAD v4.1: 3,044 of 1,612,076 alleles (0.19%); highest among the groups gnomAD compares: East Asian, 6.1%; 96 homozygotes.

Submissions (20):

Labcorp Genetics (formerly Invitae), Labcorp
Classification: Benign for Dilated cardiomyopathy 1G; Autosomal recessive limb-girdle muscular dystrophy type 2J. Last evaluated: 2026-02-04. Review status: criteria provided, single submitter. Criteria: Invitae Variant Classification Sherloc (09022015). Collection method: clinical testing. Allele origin: germline.

Molecular Diagnostic Laboratory for Inherited Cardiovascular Disease, Montreal Heart Institute
Classification: Benign. Last evaluated: 2025-04-09. Review status: criteria provided, single submitter. Criteria: ACMG Guidelines, 2015. Collection method: clinical testing. Allele origin: germline. Affected: no.

Women's Health and Genetics/Laboratory Corporation of America, LabCorp
Classification: Benign. Last evaluated: 2023-04-26. Review status: criteria provided, single submitter. Criteria: LabCorp Variant Classification Summary - May 2015. Collection method: clinical testing. Allele origin: germline.

Genome-Nilou Lab
Classification: Benign for Autosomal recessive limb-girdle muscular dystrophy type 2J. Last evaluated: 2021-09-10. Review status: criteria provided, single submitter. Criteria: ACMG Guidelines, 2015. Collection method: clinical testing. Allele origin: germline. Affected: no.

Genome-Nilou Lab
Classification: Benign for Myopathy, myofibrillar, 9, with early respiratory failure. Last evaluated: 2021-09-10. Review status: criteria provided, single submitter. Criteria: ACMG Guidelines, 2015. Collection method: clinical testing. Allele origin: germline. Affected: no.

Genome-Nilou Lab
Classification: Benign for Early-onset myopathy with fatal cardiomyopathy. Last evaluated: 2021-09-10. Review status: criteria provided, single submitter. Criteria: ACMG Guidelines, 2015. Collection method: clinical testing. Allele origin: germline. Affected: no.

Genome-Nilou Lab
Classification: Benign for Tibial muscular dystrophy. Last evaluated: 2021-09-10. Review status: criteria provided, single submitter. Criteria: ACMG Guidelines, 2015. Collection method: clinical testing. Allele origin: germline. Affected: no.

Athena Diagnostics
Classification: Benign. Last evaluated: 2020-09-08. Review status: criteria provided, single submitter. Criteria: Athena Diagnostics criteria. Collection method: clinical testing. Allele origin: unknown.

Illumina Laboratory Services, Illumina
Classification: Benign for Tibial muscular dystrophy. Last evaluated: 2018-01-13. Review status: criteria provided, single submitter. Criteria: ICSL Variant Classification Criteria 13 December 2019. Collection method: clinical testing. Allele origin: germline.
Comment: This variant was observed in the ICSL laboratory as part of a predisposition screen in an ostensibly healthy population. It had not been previously curated by ICSL or reported in the Human Gene Mutation Database (HGMD: prior to June 1st, 2018), and was therefore a candidate for classification through an automated scoring system. Utilizing variant allele frequency, disease prevalence and penetrance estimates, and inheritance mode, an automated score was calculated to assess if this variant is too frequent to cause the disease. Based on the score and internal cut-off values, a variant classified as benign is not then subjected to further curation. The score for this variant resulted in a classification of benign for this disease.

Illumina Laboratory Services, Illumina
Classification: Likely benign for Dilated cardiomyopathy 1G. Last evaluated: 2018-01-13. Review status: criteria provided, single submitter. Criteria: ICSL Variant Classification Criteria 13 December 2019. Collection method: clinical testing. Allele origin: germline.
Comment: This variant was observed in the ICSL laboratory as part of a predisposition screen in an ostensibly healthy population. It had not been previously curated by ICSL or reported in the Human Gene Mutation Database (HGMD: prior to June 1st, 2018), and was therefore a candidate for classification through an automated scoring system. Utilizing variant allele frequency, disease prevalence and penetrance estimates, and inheritance mode, an automated score was calculated to assess if this variant is too frequent to cause the disease. Based on the score and internal cut-off values, a variant classified as likely benign is not then subjected to further curation. The score for this variant resulted in a classification of likely benign for this disease.

Illumina Laboratory Services, Illumina
Classification: Benign for Autosomal recessive limb-girdle muscular dystrophy type 2J. Last evaluated: 2018-01-13. Review status: criteria provided, single submitter. Criteria: ICSL Variant Classification Criteria 13 December 2019. Collection method: clinical testing. Allele origin: germline.
Comment: the same text as in the submission from Illumina Laboratory Services, Illumina above.

Illumina Laboratory Services, Illumina
Classification: Benign for Myopathy, myofibrillar, 9, with early respiratory failure. Last evaluated: 2018-01-13. Review status: criteria provided, single submitter. Criteria: ICSL Variant Classification Criteria 13 December 2019. Collection method: clinical testing. Allele origin: germline.
Comment: the same text as in the submission from Illumina Laboratory Services, Illumina above.

Illumina Laboratory Services, Illumina
Classification: Benign for Early-onset myopathy with fatal cardiomyopathy. Last evaluated: 2018-01-13. Review status: criteria provided, single submitter. Criteria: ICSL Variant Classification Criteria 13 December 2019. Collection method: clinical testing. Allele origin: germline.
Comment: the same text as in the submission from Illumina Laboratory Services, Illumina above.

CHEO Genetics Diagnostic Laboratory, Children's Hospital of Eastern Ontario
Classification: Benign for Cardiomyopathy. Last evaluated: 2016-05-19. Review status: criteria provided, single submitter. Criteria: ACMG Guidelines, 2015. Collection method: clinical testing. Allele origin: germline. Study: Canadian Open Genetics Repository.

Eurofins Ntd Llc (ga)
Classification: Benign. Last evaluated: 2015-08-14. Review status: criteria provided, single submitter. Criteria: EGL Classification Definitions 2015. Collection method: clinical testing. Allele origin: germline. Observed: 1 variant allele, 1 heterozygote.

GeneDx
Classification: Benign. Last evaluated: 2014-04-15. Review status: criteria provided, single submitter. Criteria: GeneDx Variant Classification (06012015). Collection method: clinical testing. Allele origin: germline. Affected: yes.
Comment: This variant is considered likely benign or benign based on one or more of the following criteria: it is a conservative change, it occurs at a poorly conserved position in the protein, it is predicted to be benign by multiple in silico algorithms, and/or has population frequency not consistent with disease.

Laboratory for Molecular Medicine, Mass General Brigham Personalized Medicine
Classification: Benign. Last evaluated: 2014-04-09. Review status: criteria provided, single submitter. Criteria: LMM Criteria. Collection method: clinical testing. Allele origin: germline. Observed: 7 variant alleles.

Clinical Genetics DNA and cytogenetics Diagnostics Lab, Erasmus MC, Erasmus Medical Center
Classification: Benign. Review status: no assertion criteria provided. Collection method: clinical testing. Allele origin: germline. Affected: yes. Study: VKGL Data-share Consensus. Not counted in ClinVar's aggregate classification.

Clinical Genetics, Academic Medical Center
Classification: Benign. Review status: no assertion criteria provided. Collection method: clinical testing. Allele origin: germline. Affected: yes. Study: VKGL Data-share Consensus. Not counted in ClinVar's aggregate classification.

Joint Genome Diagnostic Labs from Nijmegen and Maastricht, Radboudumc and MUMC+
Classification: Benign. Review status: no assertion criteria provided. Collection method: clinical testing. Allele origin: germline. Affected: yes. Study: VKGL Data-share Consensus. Not counted in ClinVar's aggregate classification.

NM_001267550.2(TTN):c.48460+8C>T

Genes: TTN (titin; minus strand), TTN-AS1 (TTN antisense RNA 1; plus strand). Cytogenetic location: 2q31.2.
Variant type: single nucleotide variant.
Coding change: c.48460+8C>T on transcript NM_001267550.2 (MANE Select); 8 bases into the intron after coding-DNA position 48460, C replaced by T.
Molecular consequence: intron variant.
Genome position (GRCh38, 1-based): chr2:178,615,633, G>A on the plus strand (C>T on the coding strand, the complement: TTN is on the minus strand). VCF-style: chr2-178615633-G-A. GRCh37 (hg19) VCF-style: chr2-179480360-G-A.
Other names: c.21265+8C>T (NM_003319.4); c.21841+8C>T (NM_133437.4); c.21640+8C>T (NM_133432.3); c.40756+8C>T (NM_133378.4); c.43537+8C>T (NM_001256850.1).
Identifiers: ClinVar variation 47022 (VCV000047022.34), dbSNP rs2288565, ClinGen allele CA283327.